The following is an entry in ClinVar:

NM_001009944.3(PKD1):c.6760G>A (p.Glu2254Lys)

Gene: PKD1 (polycystin 1, transient receptor potential channel interacting; minus strand). Cytogenetic location: 16p13.3.
Variant type: single nucleotide variant.
Coding change: c.6760G>A on transcript NM_001009944.3 (MANE Select); coding-DNA position 6760, G replaced by A.
Protein change: p.Glu2254Lys; replaces glutamic acid 2254 with lysine.
Molecular consequence: missense variant.
Genome position (GRCh38, 1-based): chr16:2,108,407, C>T on the plus strand (G>A on the coding strand, the complement: PKD1 is on the minus strand). VCF-style: chr16-2108407-C-T. GRCh37 (hg19) VCF-style: chr16-2158408-C-T.
Other names: c.6760G>A, p.Glu2254Lys (NM_000296.4); short protein forms E2254K.
Identifiers: ClinVar variation 3579336 (VCV003579336.2).

ClinVar aggregate classification (germline): Conflicting classifications of pathogenicity. Review status: criteria provided, conflicting classifications (1 of 4 stars). 2 submissions from 2 submitters: Likely pathogenic (1); Uncertain significance (1). Last evaluated 2024-11-15.

Conditions:
Polycystic kidney disease, adult type (PKD1). Also called: Polycystic Kidney Disease 1, Autosomal Dominant; Polycystic kidney disease 1; Polycystic kidney disease 1, severe; POLYCYSTIC KIDNEY DISEASE 1 WITH OR WITHOUT POLYCYSTIC LIVER DISEASE; POLYCYSTIC KIDNEY DISEASE, ADULT, TYPE I; Polycystic Kidney, Autosomal Dominant. Identifiers: MedGen C3149841, MONDO:0008263, OMIM 173900.

Submissions (2):

GeneDx
Classification: Uncertain significance. Last evaluated: 2024-11-15. Review status: criteria provided, single submitter. Criteria: GeneDx Variant Classification Process June 2021. Collection method: clinical testing. Allele origin: germline. Affected: yes.
Comment: Not observed at significant frequency in large population cohorts (gnomAD); In silico analysis indicates that this missense variant does not alter protein structure/function; Has not been previously published as pathogenic or benign to our knowledge

Fulgent Genetics
Classification: Likely pathogenic for Polycystic kidney disease, adult type. Last evaluated: 2024-02-02. Review status: criteria provided, single submitter. Criteria: ACMG Guidelines, 2015. Collection method: clinical testing. Allele origin: germline.